The following is an entry in ClinVar:

ClinVar aggregate classification (germline): Uncertain significance (1 of 4 stars; one submission).

Conditions:
Duchenne muscular dystrophy (DMD). Also called: Duchenne Muscular Dystrophy (DMD); MUSCULAR DYSTROPHY, PSEUDOHYPERTROPHIC PROGRESSIVE, DUCHENNE TYPE. Identifiers: Orphanet 98896, MedGen C0013264, MONDO:0010679, OMIM 310200.

Submission:

Labcorp Genetics (formerly Invitae), Labcorp
Classification: Uncertain significance for Duchenne muscular dystrophy. Last evaluated: 2017-11-24. Review status: criteria provided, single submitter. Criteria: Invitae Variant Classification Sherloc (09022015). Collection method: clinical testing. Allele origin: germline.
Comment: Algorithms developed to predict the effect of missense changes on protein structure and function do not agree on the potential impact of this missense change (SIFT: "Tolerated"; PolyPhen-2: "Possibly Damaging"; Align-GVGD: "Class C0"). In summary, the available evidence is currently insufficient to determine the role of this variant in disease. Therefore, it has been classified as a Variant of Uncertain Significance. This variant has not been reported in the literature in individuals with DMD-related disease. This variant is not present in population databases (ExAC no frequency). This sequence change replaces threonine with serine at codon 467 of the DMD protein (p.Thr467Ser). The threonine residue is highly conserved and there is a small physicochemical difference between threonine and serine.

NM_004006.3(DMD):c.1399A>T (p.Thr467Ser)

Gene: DMD (dystrophin; minus strand). Cytogenetic location: Xp21.1.
Variant type: single nucleotide variant.
Coding change: c.1399A>T on transcript NM_004006.3 (MANE Select); coding-DNA position 1399, A replaced by T.
Protein change: p.Thr467Ser; replaces threonine 467 with serine.
Molecular consequence: missense variant.
Genome position (GRCh38, 1-based): chrX:32,614,386, T>A on the plus strand (A>T on the coding strand, the complement: DMD is on the minus strand). VCF-style: chrX-32614386-T-A. GRCh37 (hg19) VCF-style: chrX-32632503-T-A.
Other names: c.1375A>T, p.Thr459Ser (NM_000109.4); c.1387A>T, p.Thr463Ser (NM_004009.3); c.1030A>T, p.Thr344Ser (NM_004010.3); short protein forms T467S, T344S, T459S, T463S.
Identifiers: ClinVar variation 526078 (VCV000526078.9), dbSNP rs1556853254, ClinGen allele CA412670064.